The following is an entry in ClinVar:

NM_153240.5(NPHP3):c.2805C>T (p.Gly935=)

Genes: NPHP3 (nephrocystin 3; minus strand), NPHP3-ACAD11 (NPHP3-ACAD11 readthrough (NMD candidate); minus strand). Cytogenetic location: 3q22.1.
Variant type: single nucleotide variant.
Coding change: c.2805C>T on transcript NM_153240.5 (MANE Select); coding-DNA position 2805, C replaced by T.
Protein change: p.Gly935=; no amino-acid change (glycine 935 retained).
Molecular consequence: synonymous variant. On other transcripts: non-coding transcript variant (1).
Genome position (GRCh38, 1-based): chr3:132,689,152, G>A on the plus strand (C>T on the coding strand, the complement: NPHP3 is on the minus strand). VCF-style: chr3-132689152-G-A. GRCh37 (hg19) VCF-style: chr3-132407996-G-A.
Other names: c.2805C>T (NM_153240.4).
Identifiers: ClinVar variation 996537 (VCV000996537.15), dbSNP rs1281725083, ClinGen allele CA436088514.
Genomic context (GRCh38, chr3:132,689,152, plus strand): 5'-ATCCTTGAGAAATCGCCCCAAGGTTTCATAAAGATCAGCTAAGCAACTCATGTTGTCCTC[G>A]CCTTCGCAGTTTTTCTCATACTGCTTCAATGAATCGAAGTATTCTGTTGCCATTGCACTT-3'
Protein context (NP_694972.3, residues 925-945): SLKQYEKNCE[Gly935=]EDNMSCLADL

ClinVar aggregate classification (germline): Pathogenic/Likely pathogenic. Review status: criteria provided, multiple submitters, no conflicts (2 of 4 stars). 6 submissions from 6 submitters: Pathogenic (1); Likely pathogenic (4). 1 of the submissions does not count toward it. Last evaluated 2025-12-31.

Conditions:
NPHP3-related disorder. Also called: NPHP3-related condition; NPHP3-related disorders. Identifiers: MedGen CN379163.
Renal-hepatic-pancreatic dysplasia 1 (RHPD1). Identifiers: MedGen C3715199, MONDO:0008833, OMIM 208540.
Nephronophthisis 3 (NPHP3). Also called: Adolescent nephronophthisis. Identifiers: Orphanet 655, MedGen C1858392, MONDO:0011456, OMIM 604387.
NPHP3-related Meckel-like syndrome. Also called: Meckel syndrome type 7; GOLDSTON SYNDROME. Identifiers: Orphanet 3032, MedGen C2673885, MONDO:0009966, OMIM 267010.
Nephronophthisis. Also called: Juvenile Nephronophthisis. Identifiers: Orphanet 655, MedGen C0687120, MONDO:0019005, HP:0000090.

Allele frequency attached by ClinVar (database versions not stated): gnomAD exomes 0.00001.
gnomAD v4.1: 9 of 1,614,076 alleles (0.00056%); highest among the groups gnomAD compares: South Asian, 0.0044%; no homozygotes.

Submissions (6):

Labcorp Genetics (formerly Invitae), Labcorp
Classification: Likely pathogenic for Nephronophthisis. Last evaluated: 2025-12-31. Review status: criteria provided, single submitter. Criteria: Invitae Variant Classification Sherloc (09022015). Collection method: clinical testing. Allele origin: germline.
Comment: This sequence change affects codon 935 of the NPHP3 mRNA. It is a 'silent' change, meaning that it does not change the encoded amino acid sequence of the NPHP3 protein. RNA analysis indicates that this variant induces altered splicing and may result in an absent or altered protein product. This variant is present in population databases (no rsID available, gnomAD 0.003%). This variant has been observed in individual(s) with clinical features of nephronophthisis (PMID: 34212438). It has also been observed to segregate with disease in related individuals. ClinVar contains an entry for this variant (Variation ID: 996537). Studies have shown that this variant results in activation of a cryptic splice site, and produces a non-functional protein and/or introduces a premature termination codon (PMID: 34212438). In summary, the currently available evidence indicates that the variant is pathogenic, but additional data are needed to prove that conclusively. Therefore, this variant has been classified as Likely Pathogenic.

Fulgent Genetics
Classification: Likely pathogenic for Renal-hepatic-pancreatic dysplasia 1; NPHP3-related Meckel-like syndrome; Nephronophthisis 3. Last evaluated: 2024-02-06. Review status: criteria provided, single submitter. Criteria: ACMG Guidelines, 2015. Collection method: clinical testing. Allele origin: germline.

Mendelics
Classification: Pathogenic for Renal-hepatic-pancreatic dysplasia 1. Last evaluated: 2022-05-04. Review status: criteria provided, single submitter. Criteria: Mendelics Assertion Criteria 2019. Collection method: clinical testing. Allele origin: germline.

Juno Genomics, Hangzhou Juno Genomics, Inc
Classification: Likely pathogenic for NPHP3-related Meckel-like syndrome; Nephronophthisis 3; Renal-hepatic-pancreatic dysplasia 1. Review status: criteria provided, single submitter. Criteria: ACMG Guidelines, 2015. Collection method: clinical testing. Allele origin: germline. Affected: yes.
Comment: Well-established in vitro or in vivo functional studies supportive of a damaging effect on the gene or gene product.;Absent from controls (or at extremely low frequency if recessive) in Genome Aggregation Database, Exome Sequencing Project, 1000 Genomes Project, or Exome Aggregation Consortium.;For recessive disorders, detected in trans with a pathogenic variant.;Co-segregation with disease in multiple affected family members in a gene definitively known to cause the disease.

Rady Children's Institute for Genomic Medicine, Rady Children's Hospital San Diego
Classification: Likely pathogenic for NPHP3-related disorders. Review status: criteria provided, single submitter. Criteria: ACMG Guidelines, 2015. Collection method: clinical testing. Allele origin: germline. Affected: yes.
Comment: This synonymous variant affects exon 20 of 27 and is predicted to activate a cryptic splice donor site mid exon 20. This variant has been previously reported as a homozygous change in six affected individuals from five families (PMID: 34212438). The c.2805C>T (p.Gly935=) variant is present in the heterozygous state in the gnomAD population database at a frequency of 0.001% (2/251374) and thus is presumed to be rare. Based on the available evidence, the c.2805C>T (p.Gly935=) variant is classified as Likely Pathogenic.

Sayer Lab, Translational and Clinical Research Institute, Newcastle Unversity
Classification: Likely pathogenic for Nephronophthisis 3. Last evaluated: 2021-02-08. Review status: no assertion criteria provided. Collection method: clinical testing. Allele origin: germline. Inheritance: Autosomal recessive inheritance. Affected: yes. Observed: 2 variant alleles, 2 homozygotes. Clinical features observed: Nephronophthisis (HP:0000090), Congenital hepatic fibrosis (HP:0002612). Not counted in ClinVar's aggregate classification.
Comment: In silico studies confirm that the synonymous variant (c.2805C>T; p.(Gly935Gly)) in NPHP3 predict activation of a cryptic splice donor site mid-exon 20. Patient whole blood RT-PCR confirmed alternative splicing with a frameshift.

Literature cited by the submitters: PubMed 34212438 (cited by Labcorp Genetics (formerly Invitae), Labcorp).